The following is an entry in ClinVar:

ClinVar aggregate classification (germline): Likely benign (0 of 4 stars; one submission).

Conditions:
KIF5C-related disorder. Also called: KIF5C-related condition.

Allele frequency attached by ClinVar (database versions not stated): gnomAD exomes 0.00001; TOPMed 0.00001; gnomAD 0.00002.
gnomAD v4.1: 8 of 1,595,896 alleles (0.0005%); highest among the groups gnomAD compares: Non-Finnish European, 0.00068%; no homozygotes.

Submission:

PreventionGenetics, part of Exact Sciences
Classification: Likely benign for KIF5C-related condition. Last evaluated: 2022-04-26. Review status: no assertion criteria provided. Collection method: clinical testing. Allele origin: germline.
Comment: This variant is classified as likely benign based on ACMG/AMP sequence variant interpretation guidelines (Richards et al. 2015 PMID: 25741868, with internal and published modifications).

NM_004522.3(KIF5C):c.306C>T (p.Asp102=)

Gene: KIF5C (kinesin family member 5C; plus strand). Cytogenetic location: 2q23.1.
Variant type: single nucleotide variant.
Coding change: c.306C>T on transcript NM_004522.3 (MANE Select); coding-DNA position 306, C replaced by T.
Protein change: p.Asp102=; no amino-acid change (aspartic acid 102 retained).
Molecular consequence: synonymous variant.
Genome position (GRCh38, 1-based): chr2:148,937,298, C>T. VCF-style: chr2-148937298-C-T. GRCh37 (hg19) VCF-style: chr2-149793812-C-T.
Identifiers: ClinVar variation 3030109 (VCV003030109.2), dbSNP rs1057026810, ClinGen allele CA57588542.
Genomic context (GRCh38, chr2:148,937,298, plus strand): 5'-CTCCCAGCATGCTTTAACTGCCCGTGTTTGTATTTTCGCCCACTAGGGGAAGCTGCATGA[C>T]CCCCAGCTCATGGGGATCATCCCACGAATTGCCCATGATATCTTTGACCATATCTACTCC-3'
Protein context (NP_004513.1, residues 92-112): KTHTMEGKLH[Asp102=]PQLMGIIPRI